The following is an entry in ClinVar:

NM_002691.4(POLD1):c.1464C>A (p.Asp488Glu)

Gene: POLD1 (DNA polymerase delta 1, catalytic subunit; plus strand). Cytogenetic location: 19q13.33.
Variant type: single nucleotide variant.
Coding change: c.1464C>A on transcript NM_002691.4 (MANE Select); coding-DNA position 1464, C replaced by A.
Protein change: p.Asp488Glu; replaces aspartic acid 488 with glutamic acid.
Molecular consequence: missense variant. On other transcripts: non-coding transcript variant (1).
Genome position (GRCh38, 1-based): chr19:50,406,487, C>A. VCF-style: chr19-50406487-C-A. GRCh37 (hg19) VCF-style: chr19-50909744-C-A.
Other names: c.1464C>A, p.Asp488Glu (NM_001256849.1, NM_001308632.1, NM_001438210.1 and 3 more transcripts); short protein forms D488E.
Identifiers: ClinVar variation 5026993 (VCV005026993.1).
Genomic context (GRCh38, chr19:50,406,487, plus strand): 5'-GCTCCGCTCCTACACGCTCAATGCCGTGAGCTTCCACTTCCTGGGCGAGCAGAAGGAGGA[C>A]GTGCAGCACAGCATCATCACCGACCTGCAGGTGCCTGCTGCCTCCCTGACCTCTCACCCC-3'
Protein context (NP_002682.2, residues 478-498): SFHFLGEQKE[Asp488Glu]VQHSIITDLQ

ClinVar aggregate classification (germline): Uncertain significance (1 of 4 stars; one submission).

Conditions:
Hereditary cancer-predisposing syndrome. Also called: Neoplastic Syndromes, Hereditary; Tumor predisposition; Hereditary neoplastic syndrome; Hereditary Cancer Syndrome. Identifiers: Orphanet 140162, MedGen C0027672, MeSH D009386, MONDO:0015356.

Submission:

Ambry Genetics
Classification: Uncertain significance for Hereditary cancer-predisposing syndrome. Last evaluated: 2026-07-29. Review status: criteria provided, single submitter. Criteria: Ambry Variant Classification Scheme 2023. Collection method: clinical testing. Allele origin: germline.
Comment: The p.D488E variant (also known as c.1464C>A), located in coding exon 11 of the POLD1 gene, results from a C to A substitution at nucleotide position 1464. The aspartic acid at codon 488 is replaced by glutamic acid, an amino acid with highly similar properties. This amino acid position is conserved. In addition, this alteration is predicted to be tolerated by in silico analysis. Based on the available evidence, the clinical significance of this variant remains unclear.